The following is an entry in ClinVar:

ClinVar aggregate classification (germline): Uncertain significance (1 of 4 stars; one submission).

Conditions:
Leigh syndrome (NULS). Also called: Leigh's necrotizing encephalopathy; Leigh's disease; Leigh Syndrome (mtDNA deletion); Leigh Disease; Subacute necrotizing encephalopathy; Necrotizing encephalopathy infantile subacute of Leigh. Identifiers: Orphanet 506, MedGen C2931891, MONDO:0009723, OMIM 256000.

Submission:

Wong Mito Lab, Molecular and Human Genetics, Baylor College of Medicine
Classification: Uncertain significance for Leigh syndrome. Last evaluated: 2019-10-17. Review status: criteria provided, single submitter. Criteria: Modified ACMG Guidelines (Unpublished). Collection method: clinical testing. Allele origin: germline.
Comment: The NC_012920.1:m.5094A>G (YP_003024027.1:p.Ile209Val) variant in MTND2 gene is interpretated to be a Uncertain Significance variant based on the modified ACMG guidelines (unpublished). This variant meets the following evidence codes: PP6

NC_012920.1(MT-ND2):m.5094A>G

Gene: MT-ND2 (mitochondrially encoded NADH dehydrogenase 2; plus strand).
Variant type: single nucleotide variant.
Genome position: chrM-5094-A-G.
Identifiers: ClinVar variation 692545 (VCV000692545.1), dbSNP rs1603219783, ClinGen allele CA414778856.